The following is an entry in ClinVar:

ClinVar aggregate classification (germline): Uncertain significance (1 of 4 stars; one submission).

gnomAD v4.1: 24 of 1,613,992 alleles (0.0015%); highest among the groups gnomAD compares: Admixed American, 0.0033%; no homozygotes.

Submission:

Labcorp Genetics (formerly Invitae), Labcorp
Classification: Uncertain significance. Last evaluated: 2025-12-20. Review status: criteria provided, single submitter. Criteria: Invitae Variant Classification Sherloc (09022015). Collection method: clinical testing. Allele origin: germline.
Comment: This sequence change replaces arginine, which is basic and polar, with histidine, which is basic and polar, at codon 799 of the CSF2RB protein (p.Arg799His). This variant is present in population databases (rs755833752, gnomAD 0.04%). This variant has not been reported in the literature in individuals affected with CSF2RB-related conditions. ClinVar contains an entry for this variant (Variation ID: 3603614). Invitae Evidence Modeling of protein sequence and biophysical properties (such as structural, functional, and spatial information, amino acid conservation, physicochemical variation, residue mobility, and thermodynamic stability) indicates that this missense variant is not expected to disrupt CSF2RB protein function with a negative predictive value of 80%. In summary, the available evidence is currently insufficient to determine the role of this variant in disease. Therefore, it has been classified as a Variant of Uncertain Significance.

NM_000395.3(CSF2RB):c.2396G>A (p.Arg799His)

Gene: CSF2RB (colony stimulating factor 2 receptor subunit beta; plus strand). Cytogenetic location: 22q12.3.
Variant type: single nucleotide variant.
Coding change: c.2396G>A on transcript NM_000395.3 (MANE Select); coding-DNA position 2396, G replaced by A.
Protein change: p.Arg799His; replaces arginine 799 with histidine.
Molecular consequence: missense variant.
Genome position (GRCh38, 1-based): chr22:36,938,204, G>A. VCF-style: chr22-36938204-G-A. GRCh37 (hg19) VCF-style: chr22-37334246-G-A.
Other names: c.2414G>A, p.Arg805His (NM_001410827.1); short protein forms R799H, R805H.
Identifiers: ClinVar variation 3603614 (VCV003603614.2).
Genomic context (GRCh38, chr22:36,938,204, plus strand): 5'-CACCAAGGAACAATCCTGTCCCCCCTGAGGCCAAAAGCCCTGTCCTGAACCCAGGGGAAC[G>A]CCCGGCAGATGTGTCCCCAACATCCCCACAGCCCGAGGGCCTCCTTGTCCTGCAGCAAGT-3'
Protein context (NP_000386.1, residues 789-809): AKSPVLNPGE[Arg799His]PADVSPTSPQ